The following is an entry in ClinVar:

ClinVar aggregate classification (germline): Uncertain significance (1 of 4 stars; one submission).

Conditions:
Peroxisome biogenesis disorder, complementation group K (CGK). Identifiers: MedGen C1866257, MONDO:0800365.

Submission:

Labcorp Genetics (formerly Invitae), Labcorp
Classification: Uncertain significance for Peroxisome biogenesis disorder, complementation group K. Last evaluated: 2021-08-12. Review status: criteria provided, single submitter. Criteria: Invitae Variant Classification Sherloc (09022015). Collection method: clinical testing. Allele origin: germline.
Comment: This sequence change creates a premature translational stop signal (p.Pro253Leufs*4) in the PEX14 gene. While this is not anticipated to result in nonsense mediated decay, it is expected to disrupt the last 125 amino acid(s) of the PEX14 protein. This variant is not present in population databases (ExAC no frequency). This variant has not been reported in the literature in individuals affected with PEX14-related conditions. Experimental studies and prediction algorithms are not available or were not evaluated, and the functional significance of this variant is currently unknown. In summary, the available evidence is currently insufficient to determine the role of this variant in disease. Therefore, it has been classified as a Variant of Uncertain Significance.

NM_004565.3(PEX14):c.758del (p.Pro253fs)

Gene: PEX14 (peroxisomal biogenesis factor 14; plus strand). Cytogenetic location: 1p36.22.
Variant type: Deletion.
Coding change: c.758del on transcript NM_004565.3 (MANE Select); coding-DNA position 758, one base deleted (C; older notation c.758delC).
Protein change: p.Pro253fs; shifts the reading frame from proline 253.
Molecular consequence: frameshift variant.
Genome position (GRCh38, 1-based): chr1:10,629,611, C deleted; the last of 3 consecutive C bases (chr1:10,629,609-10,629,611); deleting any one gives the same sequence. VCF-style (leftmost placement, unchanged base first): chr1-10629608-GC-G. GRCh37 (hg19) VCF-style: chr1-10689665-GC-G.
Other names: short protein forms P253fs.
Identifiers: ClinVar variation 1511433 (VCV001511433.5), dbSNP rs35723571, ClinGen allele CA17854873.